The following is an entry in ClinVar:

NM_001164508.2(NEB):c.23786_23787del (p.Val7929fs)

Genes: NEB (nebulin; minus strand), RIF1 (replication timing regulatory factor 1; plus strand). Cytogenetic location: 2q23.3.
Variant type: Microsatellite.
Coding change: c.23786_23787del on transcript NM_001164508.2 (MANE Select); coding-DNA positions 23786 to 23787, 2 bases deleted (TG; older notation c.23786_23787delTG).
Protein change: p.Val7929fs; shifts the reading frame from valine 7929.
Molecular consequence: frameshift variant.
Genome position (GRCh38, 1-based): chr2:151,503,397-151,503,398, CA deleted on the plus strand (TG on the coding strand, the reverse complement: NEB is on the minus strand); deleting any 2 consecutive bases within chr2:151,503,397-151,503,400 gives the same sequence; the c. name uses the placement nearest the transcript's 3' end. VCF-style (leftmost placement, unchanged base first): chr2-151503396-TCA-T. GRCh37 (hg19) VCF-style: chr2-152359910-TCA-T.
Other names: c.23786_23787del, p.Val7929fs (NM_001164507.2); c.23891_23892del, p.Val7964fs (NM_001271208.2); c.18683_18684del, p.Val6228fs (NM_004543.5); short protein forms V6228fs, V7929fs, V7964fs.
Identifiers: ClinVar variation 2868205 (VCV002868205.3), dbSNP rs2551948233, ClinGen allele CA2739271294.

ClinVar aggregate classification (germline): Pathogenic (1 of 4 stars; one submission).

Conditions:
Nemaline myopathy 2 (NEM2). Also called: Nemaline myopathy 2, autosomal recessive. Identifiers: MedGen C1850569, MONDO:0009725, OMIM 256030.

Submission:

Labcorp Genetics (formerly Invitae), Labcorp
Classification: Pathogenic for Nemaline myopathy 2. Last evaluated: 2023-02-08. Review status: criteria provided, single submitter. Criteria: Invitae Variant Classification Sherloc (09022015). Collection method: clinical testing. Allele origin: germline.
Comment: For these reasons, this variant has been classified as Pathogenic. Algorithms developed to predict the effect of sequence changes on RNA splicing suggest that this variant may disrupt the consensus splice site. This variant has not been reported in the literature in individuals affected with NEB-related conditions. This variant is not present in population databases (gnomAD no frequency). This sequence change creates a premature translational stop signal (p.Val7964Aspfs*5) in the NEB gene. It is expected to result in an absent or disrupted protein product. Loss-of-function variants in NEB are known to be pathogenic (PMID: 25205138).

Literature cited by the submitters: PubMed 25205138.